The following is an entry in ClinVar:

NM_001286611.2(REPS1):c.1934A>G (p.Gln645Arg)

Gene: REPS1 (RALBP1 associated Eps domain containing 1; minus strand). Cytogenetic location: 6q24.1.
Variant type: single nucleotide variant.
Coding change: c.1934A>G on transcript NM_001286611.2 (MANE Select); coding-DNA position 1934, A replaced by G.
Protein change: p.Gln645Arg; replaces glutamine 645 with arginine.
Molecular consequence: missense variant.
Genome position (GRCh38, 1-based): chr6:138,912,802, T>C on the plus strand (A>G on the coding strand, the complement: REPS1 is on the minus strand). VCF-style: chr6-138912802-T-C. GRCh37 (hg19) VCF-style: chr6-139233939-T-C.
Other names: c.1934A>G (NM_001286611.1); c.1853A>G, p.Gln618Arg (NM_001128617.3); c.1661A>G, p.Gln554Arg (NM_001286612.2); c.1931A>G, p.Gln644Arg (NM_031922.5); short protein forms Q554R, Q618R, Q644R, Q645R.
Identifiers: ClinVar variation 1588320 (VCV001588320.10), dbSNP rs200320051, ClinGen allele CA4024011.

ClinVar aggregate classification (germline): Likely benign. Review status: criteria provided, single submitter (1 of 4 stars). 2 submissions from 2 submitters: Likely benign (1). 1 of the submissions does not count toward it. Last evaluated 2025-11-12.

Conditions:
REPS1-related disorder. Also called: REPS1-related condition.

Allele frequency attached by ClinVar (database versions not stated): gnomAD 0.00016 and 0.00023; gnomAD exomes 0.00018 and 0.00039; TOPMed 0.00023; ExAC 0.00039; 1000 Genomes Project 30x 0.00047; 1000 Genomes Project 0.00060.
gnomAD v4.1: 296 of 1,614,214 alleles (0.018%); highest among the groups gnomAD compares: East Asian, 0.47%; no homozygotes.

Submissions (2):

Labcorp Genetics (formerly Invitae), Labcorp
Classification: Likely benign. Last evaluated: 2025-11-12. Review status: criteria provided, single submitter. Criteria: Invitae Variant Classification Sherloc (09022015). Collection method: clinical testing. Allele origin: germline.

PreventionGenetics, part of Exact Sciences
Classification: Likely benign for REPS1-related condition. Last evaluated: 2019-09-17. Review status: no assertion criteria provided. Collection method: clinical testing. Allele origin: germline. Not counted in ClinVar's aggregate classification.
Comment: This variant is classified as likely benign based on ACMG/AMP sequence variant interpretation guidelines (Richards et al. 2015 PMID: 25741868, with internal and published modifications).